The following is an entry in ClinVar:

NM_002460.4(IRF4):c.1256A>C (p.Gln419Pro)

Gene: IRF4 (interferon regulatory factor 4; plus strand). Cytogenetic location: 6p25.3.
Variant type: single nucleotide variant.
Coding change: c.1256A>C on transcript NM_002460.4 (MANE Select); coding-DNA position 1256, A replaced by C.
Protein change: p.Gln419Pro; replaces glutamine 419 with proline.
Molecular consequence: missense variant. On other transcripts: non-coding transcript variant (1).
Genome position (GRCh38, 1-based): chr6:407,498, A>C. VCF-style: chr6-407498-A-C. GRCh37 (hg19) VCF-style: chr6-407498-A-C.
Other names: c.1253A>C, p.Gln418Pro (NM_001195286.2); short protein forms Q418P, Q419P.
Identifiers: ClinVar variation 1482352 (VCV001482352.8), dbSNP rs1761575235, ClinGen allele CA362550933.

ClinVar aggregate classification (germline): Uncertain significance (1 of 4 stars; one submission).

Allele frequency attached by ClinVar (database versions not stated): gnomAD exomes below 0.00001.
gnomAD v4.1: 5 of 1,612,328 alleles (0.00031%); highest among the groups gnomAD compares: Non-Finnish European, 0.00034%; no homozygotes.

Submission:

Labcorp Genetics (formerly Invitae), Labcorp
Classification: Uncertain significance. Last evaluated: 2022-08-23. Review status: criteria provided, single submitter. Criteria: Invitae Variant Classification Sherloc (09022015). Collection method: clinical testing. Allele origin: germline.
Comment: In summary, the available evidence is currently insufficient to determine the role of this variant in disease. Therefore, it has been classified as a Variant of Uncertain Significance. Algorithms developed to predict the effect of missense changes on protein structure and function are either unavailable or do not agree on the potential impact of this missense change (SIFT: "Deleterious"; PolyPhen-2: "Benign"; Align-GVGD: "Class C0"). ClinVar contains an entry for this variant (Variation ID: 1482352). This variant has not been reported in the literature in individuals affected with IRF4-related conditions. This variant is not present in population databases (gnomAD no frequency). This sequence change replaces glutamine, which is neutral and polar, with proline, which is neutral and non-polar, at codon 419 of the IRF4 protein (p.Gln419Pro).